The following is an entry in ClinVar:

ClinVar aggregate classification (germline): Uncertain significance. Review status: criteria provided, multiple submitters, no conflicts (2 of 4 stars). 3 submissions from 3 submitters: Uncertain significance (3). Last evaluated 2024-03-26.

Conditions:
Familial cancer of breast. Also called: hereditary breast carcinoma; Hereditary breast cancer; BREAST CANCER, FAMILIAL. Identifiers: Orphanet 227535, MedGen C0346153, MONDO:0016419, OMIM 114480. Disease mechanism: loss of function.
Hereditary cancer-predisposing syndrome. Also called: Hereditary neoplastic syndrome; Hereditary Cancer Syndrome; Tumor predisposition; Neoplastic Syndromes, Hereditary. Identifiers: Orphanet 140162, MedGen C0027672, MeSH D009386, MONDO:0015356.

Submissions (3):

Labcorp Genetics (formerly Invitae), Labcorp
Classification: Uncertain significance for Familial cancer of breast. Last evaluated: 2024-03-26. Review status: criteria provided, single submitter. Criteria: Invitae Variant Classification Sherloc (09022015). Collection method: clinical testing. Allele origin: germline.
Comment: This sequence change replaces lysine, which is basic and polar, with glutamic acid, which is acidic and polar, at codon 548 of the BARD1 protein (p.Lys548Glu). This variant is not present in population databases (gnomAD no frequency). This variant has not been reported in the literature in individuals affected with BARD1-related conditions. ClinVar contains an entry for this variant (Variation ID: 438895). Algorithms developed to predict the effect of missense changes on protein structure and function output the following: SIFT: "Not Available"; PolyPhen-2: "Benign"; Align-GVGD: "Not Available". The glutamic acid amino acid residue is found in multiple mammalian species, which suggests that this missense change does not adversely affect protein function. In summary, the available evidence is currently insufficient to determine the role of this variant in disease. Therefore, it has been classified as a Variant of Uncertain Significance.

Ambry Genetics
Classification: Uncertain significance for Hereditary cancer-predisposing syndrome. Last evaluated: 2020-03-31. Review status: criteria provided, single submitter. Criteria: Ambry Variant Classification Scheme 2023. Collection method: clinical testing. Allele origin: germline.
Comment: The p.K548E variant (also known as c.1642A>G), located in coding exon 7 of the BARD1 gene, results from an A to G substitution at nucleotide position 1642. The lysine at codon 548 is replaced by glutamic acid, an amino acid with similar properties. This amino acid position is not well conserved in available vertebrate species. In addition, this alteration is predicted to be tolerated by in silico analysis. Since supporting evidence is limited at this time, the clinical significance of this alteration remains unclear.

Quest Diagnostics Nichols Institute San Juan Capistrano
Classification: Uncertain significance. Last evaluated: 2017-03-04. Review status: criteria provided, single submitter. Criteria: Quest Diagnostics criteria. Collection method: clinical testing. Allele origin: germline.

NM_000465.4(BARD1):c.1642A>G (p.Lys548Glu)

Gene: BARD1 (BRCA1 associated RING domain 1; minus strand). Cytogenetic location: 2q35.
Variant type: single nucleotide variant.
Coding change: c.1642A>G on transcript NM_000465.4 (MANE Select); coding-DNA position 1642, A replaced by G.
Protein change: p.Lys548Glu; replaces lysine 548 with glutamic acid.
Molecular consequence: missense variant. On other transcripts: non-coding transcript variant (3), intron variant (1).
Genome position (GRCh38, 1-based): chr2:214,752,482, T>C on the plus strand (A>G on the coding strand, the complement: BARD1 is on the minus strand). VCF-style: chr2-214752482-T-C. GRCh37 (hg19) VCF-style: chr2-215617206-T-C.
Other names: c.1585A>G, p.Lys529Glu (NM_001282543.2); c.289A>G, p.Lys97Glu (NM_001282545.2); c.232A>G, p.Lys78Glu (NM_001282548.2); c.365-21974A>G (NM_001282549.2); short protein forms K548E, K529E, K97E, K78E.
Identifiers: ClinVar variation 438895 (VCV000438895.15), dbSNP rs1553616362, ClinGen allele CA350454692.
Genomic context (GRCh38, chr2:214,752,482, plus strand): 5'-GTCCCAAAGCTAAATCCATACTTACTACTGAGCAGTGGCTAGCTGAGGATGATTCATTCT[T>C]CTCTGGTAGCAGCAATAGCGATTTCATACTTTCATCATCTGTATAATCGACAGGCCGCAG-3'
Protein context (NP_000456.2, residues 538-558): SMKSLLLLPE[Lys548Glu]NESSSASHCS